The following is an entry in ClinVar:

NM_015378.4(VPS13D):c.8560C>G (p.Leu2854Val)

Gene: VPS13D (vacuolar protein sorting 13 homolog D; plus strand). Cytogenetic location: 1p36.22.
Variant type: single nucleotide variant.
Coding change: c.8560C>G on transcript NM_015378.4 (MANE Select); coding-DNA position 8560, C replaced by G.
Protein change: p.Leu2854Val; replaces leucine 2854 with valine.
Molecular consequence: missense variant. On other transcripts: intron variant (1).
Genome position (GRCh38, 1-based): chr1:12,338,239, C>G. VCF-style: chr1-12338239-C-G. GRCh37 (hg19) VCF-style: chr1-12398296-C-G.
Other names: c.8551+2412C>G (NM_018156.4); c.8560C>G (NM_015378.3); short protein forms L2854V.
Identifiers: ClinVar variation 2076669 (VCV002076669.5), dbSNP rs775276463, ClinGen allele CA603168.

ClinVar aggregate classification (germline): Uncertain significance. Review status: criteria provided, multiple submitters, no conflicts (2 of 4 stars). 3 submissions from 3 submitters: Uncertain significance (3). Last evaluated 2026-08-30.

Conditions:
Inborn genetic diseases. Identifiers: MedGen C0950123, MeSH D030342.

Allele frequency attached by ClinVar (database versions not stated): gnomAD 0.00015; TOPMed 0.00043.
gnomAD v4.1: 262 of 1,613,614 alleles (0.016%); highest among the groups gnomAD compares: South Asian, 0.045%; 1 homozygote.

Submissions (3):

GeneDx
Classification: Uncertain significance. Last evaluated: 2026-08-30. Review status: criteria provided, single submitter. Criteria: GeneDx Variant Classification Process June 2021. Collection method: clinical testing. Allele origin: germline.
Comment: In silico analysis indicates that this missense variant does not alter protein structure/function; Has not been previously published as pathogenic or benign to our knowledge

Labcorp Genetics (formerly Invitae), Labcorp
Classification: Uncertain significance. Last evaluated: 2023-12-06. Review status: criteria provided, single submitter. Criteria: Invitae Variant Classification Sherloc (09022015). Collection method: clinical testing. Allele origin: germline.
Comment: This sequence change replaces leucine, which is neutral and non-polar, with valine, which is neutral and non-polar, at codon 2854 of the VPS13D protein (p.Leu2854Val). This variant is present in population databases (rs775276463, gnomAD 0.03%). This variant has not been reported in the literature in individuals affected with VPS13D-related conditions. ClinVar contains an entry for this variant (Variation ID: 2076669). An algorithm developed to predict the effect of missense changes on protein structure and function (PolyPhen-2) suggests that this variant¬†is likely to be tolerated. In summary, the available evidence is currently insufficient to determine the role of this variant in disease. Therefore, it has been classified as a Variant of Uncertain Significance.

Ambry Genetics
Classification: Uncertain significance for Inborn genetic diseases. Last evaluated: 2021-10-06. Review status: criteria provided, single submitter. Criteria: Ambry Variant Classification Scheme 2023. Collection method: clinical testing. Allele origin: germline.